The following is an entry in ClinVar:

NM_001082538.3(TCTN1):c.644C>A (p.Thr215Asn)

Gene: TCTN1 (tectonic family member 1; plus strand). Cytogenetic location: 12q24.11.
Variant type: single nucleotide variant.
Coding change: c.644C>A on transcript NM_001082538.3 (MANE Select); coding-DNA position 644, C replaced by A.
Protein change: p.Thr215Asn; replaces threonine 215 with asparagine.
Molecular consequence: missense variant. On other transcripts: non-coding transcript variant (1).
Genome position (GRCh38, 1-based): chr12:110,632,491, C>A. VCF-style: chr12-110632491-C-A. GRCh37 (hg19) VCF-style: chr12-111070296-C-A.
Other names: c.644C>A, p.Thr215Asn (NM_001082537.3, NM_001319680.2, NM_024549.6); c.476C>A, p.Thr159Asn (NM_001173975.3); c.464C>A, p.Thr155Asn (NM_001173976.2); c.110C>A, p.Thr37Asn (NM_001319681.2); short protein forms T159N, T215N, T37N, T155N.
Identifiers: ClinVar variation 880697 (VCV000880697.7), dbSNP rs545613207, ClinGen allele CA6786658.

ClinVar aggregate classification (germline): Uncertain significance. Review status: criteria provided, multiple submitters, no conflicts (2 of 4 stars). 2 submissions from 2 submitters: Uncertain significance (2). Last evaluated 2022-07-11.

Conditions:
Meckel-Gruber syndrome. Also called: DYSENCEPHALIA SPLANCHNOCYSTICA; GRUBER SYNDROME; Dysencephalia splachnocystica. Identifiers: Orphanet 564, MedGen C0265215, MONDO:0018921.
Joubert syndrome. Also called: CEREBELLOPARENCHYMAL DISORDER IV; JOUBERT-BOLTSHAUSER SYNDROME; Familial aplasia of the vermis. Identifiers: Orphanet 475, MedGen C5979921, MONDO:0018772.
Joubert syndrome 13 (JBTS13). Identifiers: Orphanet 475, MedGen C3280031, MONDO:0013608, OMIM 614173.

Allele frequency attached by ClinVar (database versions not stated): gnomAD 0.00001; TOPMed 0.00001; ExAC 0.00003; gnomAD exomes 0.00004; 1000 Genomes Project 30x 0.00016; 1000 Genomes Project 0.00020.
gnomAD v4.1: 11 of 1,614,032 alleles (0.00068%); highest among the groups gnomAD compares: East Asian, 0.025%; no homozygotes.

Submissions (2):

Labcorp Genetics (formerly Invitae), Labcorp
Classification: Uncertain significance for Joubert syndrome; Meckel-Gruber syndrome. Last evaluated: 2022-07-11. Review status: criteria provided, single submitter. Criteria: Invitae Variant Classification Sherloc (09022015). Collection method: clinical testing. Allele origin: germline.
Comment: This sequence change replaces threonine, which is neutral and polar, with asparagine, which is neutral and polar, at codon 215 of the TCTN1 protein (p.Thr215Asn). This variant is present in population databases (rs545613207, gnomAD 0.06%). This variant has not been reported in the literature in individuals affected with TCTN1-related conditions. ClinVar contains an entry for this variant (Variation ID: 880697). Algorithms developed to predict the effect of missense changes on protein structure and function are either unavailable or do not agree on the potential impact of this missense change (SIFT: "Tolerated"; PolyPhen-2: "Probably Damaging"; Align-GVGD: "Class C0"). In summary, the available evidence is currently insufficient to determine the role of this variant in disease. Therefore, it has been classified as a Variant of Uncertain Significance.

Illumina Laboratory Services, Illumina
Classification: Uncertain significance for Joubert syndrome 13. Last evaluated: 2018-01-13. Review status: criteria provided, single submitter. Criteria: ICSL Variant Classification Criteria 13 December 2019. Collection method: clinical testing. Allele origin: germline.